The following is an entry in ClinVar:

ClinVar aggregate classification (germline): Uncertain significance (1 of 4 stars; one submission).

Submission:

GeneDx
Classification: Uncertain significance. Last evaluated: 2023-04-20. Review status: criteria provided, single submitter. Criteria: GeneDx Variant Classification Process June 2021. Collection method: clinical testing. Allele origin: germline. Affected: yes.
Comment: Not observed at significant frequency in large population cohorts (gnomAD); In silico analysis supports that this missense variant does not alter protein structure/function; Has not been previously published as pathogenic or benign to our knowledge

NM_014991.6(WDFY3):c.3480A>C (p.Gln1160His)

Gene: WDFY3 (WD repeat and FYVE domain containing 3; minus strand). Cytogenetic location: 4q21.23.
Variant type: single nucleotide variant.
Coding change: c.3480A>C on transcript NM_014991.6 (MANE Select); coding-DNA position 3480, A replaced by C.
Protein change: p.Gln1160His; replaces glutamine 1160 with histidine.
Molecular consequence: missense variant.
Genome position (GRCh38, 1-based): chr4:84,794,526, T>G on the plus strand (A>C on the coding strand, the complement: WDFY3 is on the minus strand). VCF-style: chr4-84794526-T-G. GRCh37 (hg19) VCF-style: chr4-85715679-T-G.
Other names: short protein forms Q1160H.
Identifiers: ClinVar variation 3253376 (VCV003253376.1), dbSNP rs2533706262.